The following is an entry in ClinVar:

NM_003322.6(TULP1):c.1386dup (p.Asn463fs)

Gene: TULP1 (TUB like protein 1; minus strand). Cytogenetic location: 6p21.31.
Variant type: Duplication.
Coding change: c.1386dup on transcript NM_003322.6 (MANE Select); coding-DNA position 1386, one base duplicated (C; older notation c.1386dupC).
Protein change: p.Asn463fs; shifts the reading frame from asparagine 463.
Molecular consequence: frameshift variant.
Genome position (GRCh38, 1-based): chr6:35,500,090, G duplicated on the plus strand (C on the coding strand, the reverse complement: TULP1 is on the minus strand). VCF-style (leftmost placement, unchanged base first): chr6-35500089-T-TG. GRCh37 (hg19) VCF-style: chr6-35467866-T-TG.
Other names: c.1227dup, p.Asn410fs (NM_001289395.2); short protein forms N410fs, N463fs.
Identifiers: ClinVar variation 2859464 (VCV002859464.3), dbSNP rs2533781714, ClinGen allele CA2739272950.

ClinVar aggregate classification (germline): Pathogenic (1 of 4 stars; one submission).

Submission:

Labcorp Genetics (formerly Invitae), Labcorp
Classification: Pathogenic. Last evaluated: 2023-04-26. Review status: criteria provided, single submitter. Criteria: Invitae Variant Classification Sherloc (09022015). Collection method: clinical testing. Allele origin: germline.
Comment: For these reasons, this variant has been classified as Pathogenic. This variant has not been reported in the literature in individuals affected with TULP1-related conditions. This variant is not present in population databases (gnomAD no frequency). This sequence change creates a premature translational stop signal (p.Asn463Glnfs*9) in the TULP1 gene. It is expected to result in an absent or disrupted protein product. Loss-of-function variants in TULP1 are known to be pathogenic (PMID: 8606774, 10549638, 15024725, 18055821).

Literature cited by the submitters: PubMed 8606774; PubMed 10549638; PubMed 15024725; PubMed 18055821.